The following is an entry in ClinVar:

ClinVar aggregate classification (germline): Uncertain significance (1 of 4 stars; one submission).

Conditions:
X-linked myopathy with postural muscle atrophy. Also called: FHL1-Related Emery-Dreifuss Muscular Dystrophy, X-Linked. Identifiers: Orphanet 178461, MedGen C2678055, MONDO:0010401, OMIM 300696.

Submission:

Labcorp Genetics (formerly Invitae), Labcorp
Classification: Uncertain significance for X-linked myopathy with postural muscle atrophy. Last evaluated: 2025-10-22. Review status: criteria provided, single submitter. Criteria: Invitae Variant Classification Sherloc (09022015). Collection method: clinical testing. Allele origin: germline.
Comment: This sequence change replaces aspartic acid, which is acidic and polar, with asparagine, which is neutral and polar, at codon 205 of the FHL1 protein (p.Asp205Asn). This variant is not present in population databases (gnomAD no frequency). This variant has not been reported in the literature in individuals affected with FHL1-related conditions. An algorithm developed to predict the effect of missense changes on protein structure and function (PolyPhen-2) suggests that this variant is likely to be tolerated. In summary, the available evidence is currently insufficient to determine the role of this variant in disease. Therefore, it has been classified as a Variant of Uncertain Significance.

NM_001159699.2(FHL1):c.661G>A (p.Asp221Asn)

Gene: FHL1 (four and a half LIM domains 1; plus strand). Cytogenetic location: Xq26.3.
Variant type: single nucleotide variant.
Coding change: c.661G>A on transcript NM_001159699.2 (MANE Select); coding-DNA position 661, G replaced by A.
Protein change: p.Asp221Asn; replaces aspartic acid 221 with asparagine.
Molecular consequence: missense variant. On other transcripts: non-coding transcript variant (1), intron variant (2).
Genome position (GRCh38, 1-based): chrX:136,208,566, G>A. VCF-style: chrX-136208566-G-A. GRCh37 (hg19) VCF-style: chrX-135290725-G-A.
Other names: c.613G>A, p.Asp205Asn (NM_001159700.2, NM_001159702.3, NM_001159704.1 and 8 more transcripts); c.700G>A, p.Asp234Asn (NM_001159701.2); c.661G>A, p.Asp221Asn (NM_001440769.1); c.501+605G>A (NM_001159703.2); c.549+605G>A (NM_001330659.2); short protein forms D205N, D221N, D234N.
Identifiers: ClinVar variation 4729681 (VCV004729681.1).